The following is an entry in ClinVar:

ClinVar aggregate classification (germline): Likely benign (0 of 4 stars; one submission).

Conditions:
AXIN1-related disorder. Also called: AXIN1-related condition.

Allele frequency attached by ClinVar (database versions not stated): ESP Exome Variant Server 0.00038; gnomAD 0.00055; 1000 Genomes Project 0.00060; 1000 Genomes Project 30x 0.00062.
gnomAD v4.1: 173 of 1,612,722 alleles (0.011%); highest among the groups gnomAD compares: African/African-American, 0.2%; no homozygotes.

Submission:

PreventionGenetics, part of Exact Sciences
Classification: Likely benign for AXIN1-related condition. Last evaluated: 2023-04-24. Review status: no assertion criteria provided. Collection method: clinical testing. Allele origin: germline.
Comment: This variant is classified as likely benign based on ACMG/AMP sequence variant interpretation guidelines (Richards et al. 2015 PMID: 25741868, with internal and published modifications).

NM_003502.4(AXIN1):c.1145G>A (p.Arg382His)

Gene: AXIN1 (axin 1; minus strand). Cytogenetic location: 16p13.3.
Variant type: single nucleotide variant.
Coding change: c.1145G>A on transcript NM_003502.4 (MANE Select); coding-DNA position 1145, G replaced by A.
Protein change: p.Arg382His; replaces arginine 382 with histidine.
Molecular consequence: missense variant. On other transcripts: non-coding transcript variant (1).
Genome position (GRCh38, 1-based): chr16:304,413, C>T on the plus strand (G>A on the coding strand, the complement: AXIN1 is on the minus strand). VCF-style: chr16-304413-C-T. GRCh37 (hg19) VCF-style: chr16-354413-C-T.
Other names: c.1145G>A, p.Arg382His (NM_181050.3); short protein forms R382H.
Identifiers: ClinVar variation 3036669 (VCV003036669.2), dbSNP rs150141520, ClinGen allele CA7774288.